The following is an entry in ClinVar:

ClinVar aggregate classification (germline): Uncertain significance (1 of 4 stars; one submission).

Conditions:
Hereditary cancer-predisposing syndrome. Also called: Tumor predisposition; Neoplastic Syndromes, Hereditary; Hereditary Cancer Syndrome; Hereditary neoplastic syndrome. Identifiers: Orphanet 140162, MedGen C0027672, MeSH D009386, MONDO:0015356.

Submission:

Ambry Genetics
Classification: Uncertain significance for Hereditary cancer-predisposing syndrome. Last evaluated: 2025-02-16. Review status: criteria provided, single submitter. Criteria: Ambry Variant Classification Scheme 2023. Collection method: clinical testing. Allele origin: germline.
Comment: The p.D1058A variant (also known as c.3173A>C), located in coding exon 15 of the APC gene, results from an A to C substitution at nucleotide position 3173. The aspartic acid at codon 1058 is replaced by alanine, an amino acid with dissimilar properties. This amino acid position is conserved. In addition, in silico predictors for this gene do not accurately predict pathogenicity. Based on the available evidence, the clinical significance of this variant remains unclear.

NM_000038.6(APC):c.3173A>C (p.Asp1058Ala)

Gene: APC (APC regulator of Wnt signaling pathway; plus strand). Cytogenetic location: 5q22.2.
Variant type: single nucleotide variant.
Coding change: c.3173A>C on transcript NM_000038.6 (MANE Select); coding-DNA position 3173, A replaced by C.
Protein change: p.Asp1058Ala; replaces aspartic acid 1058 with alanine.
Molecular consequence: missense variant. On other transcripts: non-coding transcript variant (2).
Genome position (GRCh38, 1-based): chr5:112,838,767, A>C. VCF-style: chr5-112838767-A-C. GRCh37 (hg19) VCF-style: chr5-112174464-A-C.
Other names: c.3173A>C, p.Asp1058Ala (NM_001127510.3, NM_001354895.2, NM_001407450.1); c.3119A>C, p.Asp1040Ala (NM_001127511.3); c.3227A>C, p.Asp1076Ala (NM_001354896.2, NM_001407447.1, NM_001407448.1 and 1 more transcripts); c.3203A>C, p.Asp1068Ala (NM_001354897.2); c.3098A>C, p.Asp1033Ala (NM_001354898.2); c.3089A>C, p.Asp1030Ala (NM_001354899.2); c.3050A>C, p.Asp1017Ala (NM_001354900.2); c.2996A>C, p.Asp999Ala (NM_001354901.2, NM_001407453.1); and 11 more; short protein forms D1033A, D1076A, D932A, D967A, D1017A, D1051A, D1068A, D1086A.
Identifiers: ClinVar variation 3882479 (VCV003882479.1).